The following is an entry in ClinVar:

NM_025152.3(NUBPL):c.218C>A (p.Ala73Asp)

Gene: NUBPL (NUBP iron-sulfur cluster assembly factor, mitochondrial; plus strand). Cytogenetic location: 14q12.
Variant type: single nucleotide variant.
Coding change: c.218C>A on transcript NM_025152.3 (MANE Select); coding-DNA position 218, C replaced by A.
Protein change: p.Ala73Asp; replaces alanine 73 with aspartic acid.
Molecular consequence: missense variant. On other transcripts: non-coding transcript variant (1).
Genome position (GRCh38, 1-based): chr14:31,562,177, C>A. VCF-style: chr14-31562177-C-A. GRCh37 (hg19) VCF-style: chr14-32031383-C-A.
Other names: c.218C>A (NM_025152.2); short protein forms A73D.
Identifiers: ClinVar variation 2192891 (VCV002192891.4), dbSNP rs771564731, ClinGen allele CA7147746.

ClinVar aggregate classification (germline): Uncertain significance. Review status: criteria provided, multiple submitters, no conflicts (2 of 4 stars). 2 submissions from 2 submitters: Uncertain significance (2). Last evaluated 2025-08-23.

Conditions:
Inborn genetic diseases. Identifiers: MedGen C0950123, MeSH D030342.

Allele frequency attached by ClinVar (database versions not stated): gnomAD 0.00001; gnomAD exomes 0.00002; ExAC 0.00003; TOPMed 0.00003.
gnomAD v4.1: 27 of 1,613,884 alleles (0.0017%); highest among the groups gnomAD compares: Admixed American, 0.03%; no homozygotes.

Submissions (2):

Ambry Genetics
Classification: Uncertain significance for Inborn genetic diseases. Last evaluated: 2025-08-23. Review status: criteria provided, single submitter. Criteria: Ambry Variant Classification Scheme 2023. Collection method: clinical testing. Allele origin: germline.

Labcorp Genetics (formerly Invitae), Labcorp
Classification: Uncertain significance. Last evaluated: 2022-08-11. Review status: criteria provided, single submitter. Criteria: Invitae Variant Classification Sherloc (09022015). Collection method: clinical testing. Allele origin: germline.
Comment: This sequence change replaces alanine, which is neutral and non-polar, with aspartic acid, which is acidic and polar, at codon 73 of the NUBPL protein (p.Ala73Asp). This variant is present in population databases (rs771564731, gnomAD 0.05%). This variant has not been reported in the literature in individuals affected with NUBPL-related conditions. Algorithms developed to predict the effect of missense changes on protein structure and function are either unavailable or do not agree on the potential impact of this missense change (SIFT: "Deleterious"; PolyPhen-2: "Probably Damaging"; Align-GVGD: "Class C15"). In summary, the available evidence is currently insufficient to determine the role of this variant in disease. Therefore, it has been classified as a Variant of Uncertain Significance.